The following is an entry in ClinVar:

ClinVar aggregate classification (germline): Pathogenic (1 of 4 stars; one submission).

Conditions:
Cardiovascular phenotype. Identifiers: MedGen CN230736.

Submission:

Ambry Genetics
Classification: Pathogenic for Cardiovascular phenotype. Last evaluated: 2021-05-21. Review status: criteria provided, single submitter. Criteria: Ambry Variant Classification Scheme 2023. Collection method: clinical testing. Allele origin: germline.
Comment: The p.E215* pathogenic mutation (also known as c.643G>T), located in coding exon 5 of the ACVRL1 gene, results from a G to T substitution at nucleotide position 643. This changes the amino acid from a glutamic acid to a stop codon within coding exon 5. This alteration has been reported in a hereditary hemorrhagic telangiectasia (HHT) cohort (Richards-Yutz J et al. Hum Genet, 2010 Jul;128:61-77). In addition, this alteration is expected to result in loss of function by premature protein truncation or nonsense-mediated mRNA decay. As such, this alteration is interpreted as a disease-causing mutation.

Literature cited by the submitters: PubMed 20414677.

NM_000020.3(ACVRL1):c.643G>T (p.Glu215Ter)

Gene: ACVRL1 (activin A receptor like type 1; plus strand). Cytogenetic location: 12q13.13.
Variant type: single nucleotide variant.
Coding change: c.643G>T on transcript NM_000020.3 (MANE Select); coding-DNA position 643, G replaced by T.
Protein change: p.Glu215Ter; replaces glutamic acid 215 with a stop codon.
Molecular consequence: nonsense.
Genome position (GRCh38, 1-based): chr12:51,914,456, G>T. VCF-style: chr12-51914456-G-T. GRCh37 (hg19) VCF-style: chr12-52308240-G-T.
Other names: c.643G>T, p.Glu215Ter (NM_001077401.2, NM_001406487.1, NM_001406488.1 and 1 more transcripts); c.331G>T, p.Glu111Ter (NM_001406490.1, NM_001406491.1, NM_001406492.1 and 2 more transcripts); c.79G>T, p.Glu27Ter (NM_001406495.1); short protein forms E215*, E27*, E111*.
Identifiers: ClinVar variation 1753546 (VCV001753546.2), dbSNP rs754283265, ClinGen allele CA384899981.